The following is an entry in ClinVar:

NM_170606.3(KMT2C):c.4867G>A (p.Glu1623Lys)

Gene: KMT2C (lysine methyltransferase 2C; minus strand). Cytogenetic location: 7q36.1.
Variant type: single nucleotide variant.
Coding change: c.4867G>A on transcript NM_170606.3 (MANE Select); coding-DNA position 4867, G replaced by A.
Protein change: p.Glu1623Lys; replaces glutamic acid 1623 with lysine.
Molecular consequence: missense variant.
Genome position (GRCh38, 1-based): chr7:152,187,403, C>T on the plus strand (G>A on the coding strand, the complement: KMT2C is on the minus strand). VCF-style: chr7-152187403-C-T. GRCh37 (hg19) VCF-style: chr7-151884488-C-T.
Other names: short protein forms E1623K.
Identifiers: ClinVar variation 4686444 (VCV004686444.1).

ClinVar aggregate classification (germline): Uncertain significance (1 of 4 stars; one submission).

Submission:

GeneDx
Classification: Uncertain significance. Last evaluated: 2025-07-15. Review status: criteria provided, single submitter. Criteria: GeneDx Variant Classification Process June 2021. Collection method: clinical testing. Allele origin: germline. Affected: yes.
Comment: Not observed at significant frequency in large population cohorts (gnomAD); In silico analysis supports that this missense variant has a deleterious effect on protein structure/function; Has not been previously published as pathogenic or benign to our knowledge